The following is an entry in ClinVar:

ClinVar aggregate classification (germline): Uncertain significance (1 of 4 stars; one submission).

Conditions:
Inborn genetic diseases. Identifiers: MedGen C0950123, MeSH D030342.

Submission:

Ambry Genetics
Classification: Uncertain significance for Inborn genetic diseases. Last evaluated: 2024-08-19. Review status: criteria provided, single submitter. Criteria: Ambry Variant Classification Scheme 2023. Collection method: clinical testing. Allele origin: germline.
Comment: The p.A450V variant (also known as c.1349C>T), located in coding exon 8 of the LTBP3 gene, results from a C to T substitution at nucleotide position 1349. The alanine at codon 450 is replaced by valine, an amino acid with similar properties. This amino acid position is conserved. In addition, the in silico prediction for this alteration is inconclusive. Based on the available evidence, the clinical significance of this variant remains unclear.

NM_001130144.3(LTBP3):c.1349C>T (p.Ala450Val)

Gene: LTBP3 (latent transforming growth factor beta binding protein 3; minus strand). Cytogenetic location: 11q13.1.
Variant type: single nucleotide variant.
Coding change: c.1349C>T on transcript NM_001130144.3 (MANE Select); coding-DNA position 1349, C replaced by T.
Protein change: p.Ala450Val; replaces alanine 450 with valine.
Molecular consequence: missense variant.
Genome position (GRCh38, 1-based): chr11:65,552,154, G>A on the plus strand (C>T on the coding strand, the complement: LTBP3 is on the minus strand). VCF-style: chr11-65552154-G-A. GRCh37 (hg19) VCF-style: chr11-65319625-G-A.
Other names: c.998C>T, p.Ala333Val (NM_001164266.1); c.1349C>T, p.Ala450Val (NM_021070.4); short protein forms A333V, A450V.
Identifiers: ClinVar variation 3541071 (VCV003541071.1).